The following is an entry in ClinVar:

ClinVar aggregate classification (germline): Pathogenic/Likely pathogenic. Review status: criteria provided, multiple submitters, no conflicts (2 of 4 stars). 2 submissions from 2 submitters: Pathogenic (1); Likely pathogenic (1). Last evaluated 2025-08-24.

Allele frequency attached by ClinVar (database versions not stated): gnomAD exomes below 0.00001.
gnomAD v4.1: 1 of 1,614,100 alleles (0.000062%); highest among the groups gnomAD compares: Non-Finnish European, 0.000085%; no homozygotes.

Submissions (2):

Labcorp Genetics (formerly Invitae), Labcorp
Classification: Pathogenic. Last evaluated: 2025-08-24. Review status: criteria provided, single submitter. Criteria: Invitae Variant Classification Sherloc (09022015). Collection method: clinical testing. Allele origin: germline.
Comment: This sequence change creates a premature translational stop signal (p.Arg303*) in the VPS13D gene. It is expected to result in an absent or disrupted protein product. Loss-of-function variants in VPS13D are known to be pathogenic (PMID: 29518281). This variant is not present in population databases (gnomAD no frequency). This variant has not been reported in the literature in individuals affected with VPS13D-related conditions. ClinVar contains an entry for this variant (Variation ID: 806070). Algorithms developed to predict the effect of sequence changes on RNA splicing suggest that this variant may disrupt the consensus splice site. For these reasons, this variant has been classified as Pathogenic.

CeGaT Center for Human Genetics Tuebingen
Classification: Likely pathogenic. Last evaluated: 2018-11-01. Review status: criteria provided, single submitter. Criteria: CeGaT Center For Human Genetics Tuebingen Variant Classification Criteria Version 2. Collection method: clinical testing. Allele origin: germline. Affected: yes. Observed: 4 variant alleles.

Literature cited by the submitters: PubMed 29518281 (cited by Labcorp Genetics (formerly Invitae), Labcorp).

NM_015378.4(VPS13D):c.907C>T (p.Arg303Ter)

Gene: VPS13D (vacuolar protein sorting 13 homolog D; plus strand). Cytogenetic location: 1p36.22.
Variant type: single nucleotide variant.
Coding change: c.907C>T on transcript NM_015378.4 (MANE Select); coding-DNA position 907, C replaced by T.
Protein change: p.Arg303Ter; replaces arginine 303 with a stop codon.
Molecular consequence: nonsense.
Genome position (GRCh38, 1-based): chr1:12,257,053, C>T. VCF-style: chr1-12257053-C-T. GRCh37 (hg19) VCF-style: chr1-12317110-C-T.
Other names: c.907C>T, p.Arg303Ter (NM_018156.4); short protein forms R303*.
Identifiers: ClinVar variation 806070 (VCV000806070.43), dbSNP rs1569704391, ClinGen allele CA338458533.